The following is an entry in ClinVar:

NM_015450.3(POT1):c.265T>A (p.Tyr89Asn)

Gene: POT1 (protection of telomeres 1; minus strand). Cytogenetic location: 7q31.33.
Variant type: single nucleotide variant.
Coding change: c.265T>A on transcript NM_015450.3 (MANE Select); coding-DNA position 265, T replaced by A.
Protein change: p.Tyr89Asn; replaces tyrosine 89 with asparagine.
Molecular consequence: missense variant. On other transcripts: 5 prime UTR variant (1), non-coding transcript variant (3).
Genome position (GRCh38, 1-based): chr7:124,863,631, A>T on the plus strand (T>A on the coding strand, the complement: POT1 is on the minus strand). VCF-style: chr7-124863631-A-T. GRCh37 (hg19) VCF-style: chr7-124503685-A-T.
Other names: c.-129T>A (NM_001042594.2); short protein forms Y89N.
Identifiers: ClinVar variation 998671 (VCV000998671.10), dbSNP rs1131691746, ClinGen allele CA369060580.

ClinVar aggregate classification (germline): Uncertain significance (1 of 4 stars; one submission).

Conditions:
Tumor predisposition syndrome 3 (TPDS3). Also called: Glioma susceptibility 9; LONG TELOMERE SYNDROME, POT1-RELATED; POT1 Tumor Predisposition; Melanoma, cutaneous malignant, susceptibility to, 10. Identifiers: Orphanet 618, MedGen C4014476, MONDO:0014368, OMIM 615848.

Submission:

Labcorp Genetics (formerly Invitae), Labcorp
Classification: Uncertain significance for Tumor predisposition syndrome 3. Last evaluated: 2020-02-12. Review status: criteria provided, single submitter. Criteria: Invitae Variant Classification Sherloc (09022015). Collection method: clinical testing. Allele origin: germline.
Comment: This variant has not been reported in the literature in individuals with POT1-related conditions. Algorithms developed to predict the effect of missense changes on protein structure and function are either unavailable or do not agree on the potential impact of this missense change (SIFT: "Deleterious"; PolyPhen-2: "Possibly Damaging"; Align-GVGD: "Class C0"). Algorithms developed to predict the effect of sequence changes on RNA splicing suggest that this variant may create or strengthen a splice site, but this prediction has not been confirmed by published transcriptional studies. In summary, the available evidence is currently insufficient to determine the role of this variant in disease. Therefore, it has been classified as a Variant of Uncertain Significance. This variant is not present in population databases (ExAC no frequency). This sequence change replaces tyrosine with asparagine at codon 89 of the POT1 protein (p.Tyr89Asn). The tyrosine residue is moderately conserved and there is a large physicochemical difference between tyrosine and asparagine.